The following is an entry in ClinVar:

ClinVar aggregate classification (germline): Uncertain significance (1 of 4 stars; one submission).

Conditions:
Parathyroid carcinoma (PRTC). Also called: CDC73-Related Parathyroid Carcinoma; Parathyroid gland carcinoma. Identifiers: Orphanet 143, MedGen C0687150, MONDO:0012004, OMIM 608266, HP:0006780.

Submission:

Labcorp Genetics (formerly Invitae), Labcorp
Classification: Uncertain significance for Parathyroid carcinoma. Last evaluated: 2023-03-29. Review status: criteria provided, single submitter. Criteria: Invitae Variant Classification Sherloc (09022015). Collection method: clinical testing. Allele origin: germline.
Comment: This variant has not been reported in the literature in individuals affected with CDC73-related conditions. Advanced modeling of protein sequence and biophysical properties (such as structural, functional, and spatial information, amino acid conservation, physicochemical variation, residue mobility, and thermodynamic stability) performed at Invitae indicates that this missense variant is not expected to disrupt CDC73 protein function. In summary, the available evidence is currently insufficient to determine the role of this variant in disease. Therefore, it has been classified as a Variant of Uncertain Significance. This sequence change replaces proline, which is neutral and non-polar, with glutamine, which is neutral and polar, at codon 339 of the CDC73 protein (p.Pro339Gln). This variant is not present in population databases (gnomAD no frequency).

NM_024529.5(CDC73):c.1016C>A (p.Pro339Gln)

Gene: CDC73 (cell division cycle 73; plus strand). Cytogenetic location: 1q31.2.
Variant type: single nucleotide variant.
Coding change: c.1016C>A on transcript NM_024529.5 (MANE Select); coding-DNA position 1016, C replaced by A.
Protein change: p.Pro339Gln; replaces proline 339 with glutamine.
Molecular consequence: missense variant.
Genome position (GRCh38, 1-based): chr1:193,203,838, C>A. VCF-style: chr1-193203838-C-A. GRCh37 (hg19) VCF-style: chr1-193172968-C-A.
Other names: short protein forms P339Q.
Identifiers: ClinVar variation 2784255 (VCV002784255.3), dbSNP rs1060500018, ClinGen allele CA344076164.